The following is an entry in ClinVar:

NM_182904.5(P4HA3):c.1513G>C (p.Asp505His)

Gene: P4HA3 (prolyl 4-hydroxylase subunit alpha 3; minus strand). Cytogenetic location: 11q13.4.
Variant type: single nucleotide variant.
Coding change: c.1513G>C on transcript NM_182904.5 (MANE Select); coding-DNA position 1513, G replaced by C.
Protein change: p.Asp505His; replaces aspartic acid 505 with histidine.
Molecular consequence: missense variant. On other transcripts: synonymous variant (1), non-coding transcript variant (1).
Genome position (GRCh38, 1-based): chr11:74,268,196, C>G on the plus strand (G>C on the coding strand, the complement: P4HA3 is on the minus strand). VCF-style: chr11-74268196-C-G. GRCh37 (hg19) VCF-style: chr11-73979241-C-G.
Other names: c.1506G>C, p.Gly502= (NM_001288748.2); short protein forms D505H.
Identifiers: ClinVar variation 2642147 (VCV002642147.24), dbSNP rs147167718, ClinGen allele CA6183857.
Genomic context (GRCh38, chr11:74,268,196, plus strand): 5'-AAGACTTACCCCACTTATCTCCCACCAGGACAGGACAGCCAGCATGAAGTGTGTCACTGT[C>G]CCCTTCACCACTCCTGTGCAGGTTCCACCAAAACAGTGCTGCATTCTGAAACAAGAGGGC-3'
Protein context (NP_878907.1, residues 495-515): WWNLHRSGEG[Asp505His]SDTLHAGCPV

ClinVar aggregate classification (germline): Likely benign (1 of 4 stars; one submission).

Allele frequency attached by ClinVar (database versions not stated): 1000 Genomes Project 30x 0.00031; 1000 Genomes Project 0.00040; TOPMed 0.00057; gnomAD 0.00078; ExAC 0.00099; ESP Exome Variant Server 0.00108.
gnomAD v4.1: 1,456 of 1,614,108 alleles (0.09%); highest among the groups gnomAD compares: South Asian, 0.16%; 6 homozygotes.

Submission:

CeGaT Center for Human Genetics Tuebingen
Classification: Likely benign. Last evaluated: 2022-09-01. Review status: criteria provided, single submitter. Criteria: CeGaT Center For Human Genetics Tuebingen Variant Classification Criteria Version 2. Collection method: clinical testing. Allele origin: germline. Affected: yes. Observed: 1 variant allele.
Comment: P4HA3: BP4, BS1